The following is an entry in ClinVar:

ClinVar aggregate classification (germline): Uncertain significance (1 of 4 stars; one submission).

Conditions:
Desmin-related myofibrillar myopathy (MFM1). Also called: Desminopathy; Desmin related myopathy (former name); Desmin storage myopathy (former name); Myofibrillar myopathy 1; MYOFIBRILLAR MYOPATHY WITH ARRHYTHMOGENIC RIGHT VENTRICULAR CARDIOMYOPATHY; DESMIN-RELATED MYOPATHY WITH ARRHYTHMOGENIC RIGHT VENTRICULAR CARDIOMYOPATHY. Identifiers: Orphanet 363543, Orphanet 98909, MedGen C1832370, MONDO:0011076, OMIM 601419.

Submission:

Labcorp Genetics (formerly Invitae), Labcorp
Classification: Uncertain significance for Desmin-related myofibrillar myopathy. Last evaluated: 2025-11-23. Review status: criteria provided, single submitter. Criteria: Invitae Variant Classification Sherloc (09022015). Collection method: clinical testing. Allele origin: germline.
Comment: This sequence change replaces asparagine, which is neutral and polar, with histidine, which is basic and polar, at codon 107 of the DES protein (p.Asn107His). This variant is not present in population databases (gnomAD no frequency). This variant has not been reported in the literature in individuals affected with DES-related conditions. Invitae Evidence Modeling of protein sequence and biophysical properties (such as structural, functional, and spatial information, amino acid conservation, physicochemical variation, residue mobility, and thermodynamic stability) has been performed for this missense variant. However, the output from this modeling did not meet the statistical confidence thresholds required to predict the impact of this variant on DES protein function. In summary, the available evidence is currently insufficient to determine the role of this variant in disease. Therefore, it has been classified as a Variant of Uncertain Significance.

NM_001927.4(DES):c.319A>C (p.Asn107His)

Gene: DES (desmin; plus strand). Cytogenetic location: 2q35.
Variant type: single nucleotide variant.
Coding change: c.319A>C on transcript NM_001927.4 (MANE Select); coding-DNA position 319, A replaced by C.
Protein change: p.Asn107His; replaces asparagine 107 with histidine.
Molecular consequence: missense variant.
Genome position (GRCh38, 1-based): chr2:219,418,781, A>C. VCF-style: chr2-219418781-A-C. GRCh37 (hg19) VCF-style: chr2-220283503-A-C.
Other names: c.319A>C, p.Asn107His (NM_001382708.1, NM_001382709.1, NM_001382710.1 and 3 more transcripts); short protein forms N107H.
Identifiers: ClinVar variation 4792820 (VCV004792820.1).